The following is an entry in ClinVar:

ClinVar aggregate classification (germline): Likely pathogenic (1 of 4 stars; one submission).

Conditions:
Bifunctional peroxisomal enzyme deficiency (DBIF). Also called: DBP DEFICIENCY; PBFE DEFICIENCY; D-bifunctional protein deficiency. Identifiers: Orphanet 300, MedGen C0342870, MONDO:0009855, OMIM 261515. Disease mechanism: loss of function.
Perrault syndrome. Also called: Gonadal dysgenesis with auditory dysfunction, autosomal recessive inheritance. Identifiers: Orphanet 2855, MedGen C0685838, MONDO:0017312.

Submission:

Labcorp Genetics (formerly Invitae), Labcorp
Classification: Likely pathogenic for Perrault syndrome; Bifunctional peroxisomal enzyme deficiency. Last evaluated: 2022-09-24. Review status: criteria provided, single submitter. Criteria: Invitae Variant Classification Sherloc (09022015). Collection method: clinical testing. Allele origin: germline.
Comment: In summary, the currently available evidence indicates that the variant is pathogenic, but additional data are needed to prove that conclusively. Therefore, this variant has been classified as Likely Pathogenic. Algorithms developed to predict the effect of sequence changes on RNA splicing suggest that this variant may disrupt the consensus splice site. This variant has not been reported in the literature in individuals affected with HSD17B4-related conditions. This variant is not present in population databases (gnomAD no frequency). This sequence change affects a donor splice site in intron 18 of the HSD17B4 gene. It is expected to disrupt RNA splicing. Variants that disrupt the donor or acceptor splice site typically lead to a loss of protein function (PMID: 16199547), and loss-of-function variants in HSD17B4 are known to be pathogenic (PMID: 11810648, 16385454, 20673864).

Literature cited by the submitters: PubMed 16199547; PubMed 11810648; PubMed 16385454; PubMed 20673864.

NM_000414.4(HSD17B4):c.1573+1G>T

Gene: HSD17B4 (hydroxysteroid 17-beta dehydrogenase 4; plus strand). Cytogenetic location: 5q23.1.
Variant type: single nucleotide variant.
Coding change: c.1573+1G>T on transcript NM_000414.4 (MANE Select); the canonical splice donor site of the intron after coding-DNA position 1573, G replaced by T.
Molecular consequence: splice donor variant.
Genome position (GRCh38, 1-based): chr5:119,525,286, G>T. VCF-style: chr5-119525286-G-T. GRCh37 (hg19) VCF-style: chr5-118860981-G-T.
Other names: c.1162+1G>T (NM_001374503.1, NM_001374502.1, NM_001374501.1); c.1648+1G>T (NM_001199291.3); c.1246+1G>T (NM_001374499.1); c.1132+1G>T (NM_001374500.1); c.1153+1G>T (NM_001292028.2); c.1501+1G>T (NM_001292027.2, NM_001374498.1); c.1564+1G>T (NM_001374497.1); c.1519+1G>T (NM_001199292.2).
Identifiers: ClinVar variation 2031071 (VCV002031071.4), dbSNP rs2531905463, ClinGen allele CA360869183.